The following is an entry in ClinVar:

NM_194277.3(FRMD7):c.217A>C (p.Ile73Leu)

Gene: FRMD7 (FERM domain containing 7; minus strand). Cytogenetic location: Xq26.2.
Variant type: single nucleotide variant.
Coding change: c.217A>C on transcript NM_194277.3 (MANE Select); coding-DNA position 217, A replaced by C.
Protein change: p.Ile73Leu; replaces isoleucine 73 with leucine.
Molecular consequence: missense variant. On other transcripts: intron variant (1).
Genome position (GRCh38, 1-based): chrX:132,097,333, T>G on the plus strand (A>C on the coding strand, the complement: FRMD7 is on the minus strand). VCF-style: chrX-132097333-T-G. GRCh37 (hg19) VCF-style: chrX-131231361-T-G.
Other names: c.206-34A>C (NM_001306193.2); short protein forms I73L.
Identifiers: ClinVar variation 2055513 (VCV002055513.4), dbSNP rs2520831358, ClinGen allele CA414681940.

ClinVar aggregate classification (germline): Uncertain significance (1 of 4 stars; one submission).

Submission:

Labcorp Genetics (formerly Invitae), Labcorp
Classification: Uncertain significance. Last evaluated: 2022-09-06. Review status: criteria provided, single submitter. Criteria: Invitae Variant Classification Sherloc (09022015). Collection method: clinical testing. Allele origin: germline.
Comment: In summary, the available evidence is currently insufficient to determine the role of this variant in disease. Therefore, it has been classified as a Variant of Uncertain Significance. Algorithms developed to predict the effect of missense changes on protein structure and function (SIFT, PolyPhen-2, Align-GVGD) all suggest that this variant is likely to be tolerated. This variant has not been reported in the literature in individuals affected with FRMD7-related conditions. This variant is not present in population databases (gnomAD no frequency). This sequence change replaces isoleucine, which is neutral and non-polar, with leucine, which is neutral and non-polar, at codon 73 of the FRMD7 protein (p.Ile73Leu).